The following is an entry in ClinVar:

ClinVar aggregate classification (germline): Uncertain significance (1 of 4 stars; one submission).

Submission:

Labcorp Genetics (formerly Invitae), Labcorp
Classification: Uncertain significance. Last evaluated: 2023-12-25. Review status: criteria provided, single submitter. Criteria: Invitae Variant Classification Sherloc (09022015). Collection method: clinical testing. Allele origin: germline.
Comment: This sequence change replaces aspartic acid, which is acidic and polar, with glutamic acid, which is acidic and polar, at codon 394 of the ARHGEF1 protein (p.Asp394Glu). This variant is not present in population databases (gnomAD no frequency). This variant has not been reported in the literature in individuals affected with ARHGEF1-related conditions. Algorithms developed to predict the effect of missense changes on protein structure and function output the following: SIFT: "Not Available"; PolyPhen-2: "Benign"; Align-GVGD: "Not Available". The glutamic acid amino acid residue is found in multiple mammalian species, which suggests that this missense change does not adversely affect protein function. In summary, the available evidence is currently insufficient to determine the role of this variant in disease. Therefore, it has been classified as a Variant of Uncertain Significance.

NM_004706.4(ARHGEF1):c.1137T>G (p.Asp379Glu)

Gene: ARHGEF1 (Rho guanine nucleotide exchange factor 1; plus strand). Cytogenetic location: 19q13.2.
Variant type: single nucleotide variant.
Coding change: c.1137T>G on transcript NM_004706.4 (MANE Select); coding-DNA position 1137, T replaced by G.
Protein change: p.Asp379Glu; replaces aspartic acid 379 with glutamic acid.
Molecular consequence: missense variant. On other transcripts: non-coding transcript variant (2).
Genome position (GRCh38, 1-based): chr19:41,898,457, T>G. VCF-style: chr19-41898457-T-G. GRCh37 (hg19) VCF-style: chr19-42402606-T-G.
Other names: c.1305T>G, p.Asp435Glu (NM_001396000.1); c.1038T>G, p.Asp346Glu (NM_001396002.1, NM_001396004.1, NM_198977.2); c.1137T>G, p.Asp379Glu (NM_001396003.1, NM_001396006.1); c.1182T>G, p.Asp394Glu (NM_199002.2); short protein forms D346E, D394E, D435E, D379E.
Identifiers: ClinVar variation 2833968 (VCV002833968.3), dbSNP rs782489892, ClinGen allele CA406058016.